The following is an entry in ClinVar:

ClinVar aggregate classification (germline): Uncertain significance. Review status: criteria provided, multiple submitters, no conflicts (2 of 4 stars). 2 submissions from 2 submitters: Uncertain significance (2). Last evaluated 2024-05-14.

Submissions (2):

Labcorp Genetics (formerly Invitae), Labcorp
Classification: Uncertain significance. Last evaluated: 2024-05-14. Review status: criteria provided, single submitter. Criteria: Invitae Variant Classification Sherloc (09022015). Collection method: clinical testing. Allele origin: germline.
Comment: This sequence change replaces aspartic acid, which is acidic and polar, with glutamic acid, which is acidic and polar, at codon 2349 of the RNF213 protein (p.Asp2349Glu). This variant is not present in population databases (gnomAD no frequency). This variant has not been reported in the literature in individuals affected with RNF213-related conditions. Algorithms developed to predict the effect of missense changes on protein structure and function output the following: SIFT: "Not Available"; PolyPhen-2: "Benign"; Align-GVGD: "Not Available". The glutamic acid amino acid residue is found in multiple mammalian species, which suggests that this missense change does not adversely affect protein function. In summary, the available evidence is currently insufficient to determine the role of this variant in disease. Therefore, it has been classified as a Variant of Uncertain Significance.

Women's Health and Genetics/Laboratory Corporation of America, LabCorp
Classification: Uncertain significance. Last evaluated: 2024-03-20. Review status: criteria provided, single submitter. Criteria: LabCorp Variant Classification Summary - May 2015. Collection method: clinical testing. Allele origin: germline.
Comment: Variant summary: RNF213 c.7047C>A (p.Asp2349Glu) results in a conservative amino acid change in the encoded protein sequence. Four of four in-silico tools predict a benign effect of the variant on protein function. The variant was absent in 251476 control chromosomes. The available data on variant occurrences in the general population are insufficient to allow any conclusion about variant significance. To our knowledge, no occurrence of c.7047C>A in individuals affected with Moyamoya Disease 2 and no experimental evidence demonstrating its impact on protein function have been reported. No submitters have cited clinical-significance assessments for this variant to ClinVar. Based on the evidence outlined above, the variant was classified as uncertain significance.

NM_001256071.3(RNF213):c.7047C>A (p.Asp2349Glu)

Gene: RNF213 (ring finger protein 213; plus strand). Cytogenetic location: 17q25.3.
Variant type: single nucleotide variant.
Coding change: c.7047C>A on transcript NM_001256071.3 (MANE Select); coding-DNA position 7047, C replaced by A.
Protein change: p.Asp2349Glu; replaces aspartic acid 2349 with glutamic acid.
Molecular consequence: missense variant.
Genome position (GRCh38, 1-based): chr17:80,345,382, C>A. VCF-style: chr17-80345382-C-A. GRCh37 (hg19) VCF-style: chr17-78319182-C-A.
Other names: c.7194C>A, p.Asp2398Glu (NM_001410195.1, NM_020914.5); short protein forms D2349E, D2398E.
Identifiers: ClinVar variation 3233856 (VCV003233856.4), dbSNP rs2511379631, ClinGen allele CA401394233.